The following is an entry in ClinVar:

ClinVar aggregate classification (germline): Likely pathogenic (1 of 4 stars; one submission).

Submission:

GeneDx
Classification: Likely pathogenic. Last evaluated: 2026-04-07. Review status: criteria provided, single submitter. Criteria: GeneDx Variant Classification Process June 2021. Collection method: clinical testing. Allele origin: germline.
Comment: Has not been previously published as pathogenic or benign to our knowledge; Not observed at significant frequency in large population cohorts (gnomAD); In silico analysis supports that this missense variant has a deleterious effect on protein structure/function

NM_018122.5(DARS2):c.806G>A (p.Gly269Asp)

Gene: DARS2 (aspartyl-tRNA synthetase 2, mitochondrial; plus strand). Cytogenetic location: 1q25.1.
Variant type: single nucleotide variant.
Coding change: c.806G>A on transcript NM_018122.5 (MANE Select); coding-DNA position 806, G replaced by A.
Protein change: p.Gly269Asp; replaces glycine 269 with aspartic acid.
Molecular consequence: missense variant.
Genome position (GRCh38, 1-based): chr1:173,838,225, G>A. VCF-style: chr1-173838225-G-A. GRCh37 (hg19) VCF-style: chr1-173807363-G-A.
Other names: c.806G>A, p.Gly269Asp (NM_001365212.1, NM_001365213.2); short protein forms G269D.
Identifiers: ClinVar variation 5016784 (VCV005016784.1).
Genomic context (GRCh38, chr1:173,838,225, plus strand): 5'-AATTAATGCTATTTCTCAATTGTAGATATTTTCAGGTTGCCCGATGTTATCGAGATGAAG[G>A]TTCAAGACCAGACAGACAGCCTGAGTTTACTCAGGTACAAAGTTATATTCACTTGTTTCT-3'
Protein context (NP_060592.2, residues 259-279): FQVARCYRDE[Gly269Asp]SRPDRQPEFT